The following is an entry in ClinVar:

NM_182961.4(SYNE1):c.92G>A (p.Arg31Gln)

Gene: SYNE1 (spectrin repeat containing nuclear envelope protein 1; minus strand). Cytogenetic location: 6q25.2.
Variant type: single nucleotide variant.
Coding change: c.92G>A on transcript NM_182961.4 (MANE Select); coding-DNA position 92, G replaced by A.
Protein change: p.Arg31Gln; replaces arginine 31 with glutamine.
Molecular consequence: missense variant.
Genome position (GRCh38, 1-based): chr6:152,539,997, C>T on the plus strand (G>A on the coding strand, the complement: SYNE1 is on the minus strand). VCF-style: chr6-152539997-C-T. GRCh37 (hg19) VCF-style: chr6-152861132-C-T.
Other names: c.92G>A, p.Arg31Gln (NM_033071.5); short protein forms R31Q.
Identifiers: ClinVar variation 355951 (VCV000355951.8), dbSNP rs747634832, ClinGen allele CA4059883.
Genomic context (GRCh38, chr6:152,539,997, plus strand): 5'-TAATGCTGGGTAGTTTCCTTTACCTTGGCCAGATGAGAGTTGATCCATTTTGTGAAAGTT[C>T]GTTTTTGTACTATCTCTTGCTCATCTAGAAGGAAAAAGAAATCTGGTTAAATAATGTAAT-3'
Protein context (NP_892006.3, residues 21-41): LQDEQEIVQK[Arg31Gln]TFTKWINSHL

ClinVar aggregate classification (germline): Conflicting classifications of pathogenicity. Review status: criteria provided, conflicting classifications (1 of 4 stars). 4 submissions from 3 submitters: Uncertain significance (3); Likely benign (1). Last evaluated 2024-06-20.

Conditions:
Emery-Dreifuss muscular dystrophy 4, autosomal dominant (EDMD4). Also called: EMERY-DREIFUSS MUSCULAR DYSTROPHY 4 WITH VARIABLE FEATURES. Identifiers: Orphanet 261, MedGen C2751807, MONDO:0013071, OMIM 612998.
Autosomal recessive ataxia, Beauce type. Also called: SYNE1 Deficiency; SYNE1-Related Autosomal Recessive Cerebellar Ataxia; Spinocerebellar ataxia, autosomal recessive 8; ATAXIA, RECESSIVE, OF BEAUCE. Identifiers: Orphanet 88644, MedGen C1853116, MONDO:0012549, OMIM 610743.

Allele frequency attached by ClinVar (database versions not stated): gnomAD 0.00002 and 0.00003; gnomAD exomes 0.00002; TOPMed 0.00002; ExAC 0.00004.
gnomAD v4.1: 11 of 1,613,552 alleles (0.00068%); highest among the groups gnomAD compares: Non-Finnish European, 0.00085%; no homozygotes.

Submissions (4):

Women's Health and Genetics/Laboratory Corporation of America, LabCorp
Classification: Uncertain significance. Last evaluated: 2024-06-20. Review status: criteria provided, single submitter. Criteria: LabCorp Variant Classification Summary - May 2015. Collection method: clinical testing. Allele origin: germline.
Comment: Variant summary: SYNE1 c.92G>A (p.Arg31Gln) results in a conservative amino acid change in the encoded protein sequence. Four of five in-silico tools predict a damaging effect of the variant on protein function. The variant allele was found at a frequency of 2.4e-05 in 251330 control chromosomes. The available data on variant occurrences in the general population are insufficient to allow any conclusion about variant significance. To our knowledge, no occurrence of c.92G>A in individuals affected with SYNE1-Related Disorders and no experimental evidence demonstrating its impact on protein function have been reported. ClinVar contains an entry for this variant (Variation ID: 355951). Based on the evidence outlined above, the variant was classified as uncertain significance.

Revvity Omics, Revvity
Classification: Uncertain significance. Last evaluated: 2019-11-29. Review status: criteria provided, single submitter. Criteria: ACMG Guidelines, 2015. Collection method: clinical testing. Allele origin: germline.

Illumina Laboratory Services, Illumina
Classification: Likely benign for Emery-Dreifuss muscular dystrophy 4, autosomal dominant. Last evaluated: 2018-01-12. Review status: criteria provided, single submitter. Criteria: ICSL Variant Classification Criteria 13 December 2019. Collection method: clinical testing. Allele origin: germline.
Comment: This variant was observed in the ICSL laboratory as part of a predisposition screen in an ostensibly healthy population. It had not been previously curated by ICSL or reported in the Human Gene Mutation Database (HGMD: prior to June 1st, 2018), and was therefore a candidate for classification through an automated scoring system. Utilizing variant allele frequency, disease prevalence and penetrance estimates, and inheritance mode, an automated score was calculated to assess if this variant is too frequent to cause the disease. Based on the score and internal cut-off values, a variant classified as likely benign is not then subjected to further curation. The score for this variant resulted in a classification of likely benign for this disease.

Illumina Laboratory Services, Illumina
Classification: Uncertain significance for Autosomal recessive ataxia, Beauce type. Last evaluated: 2018-01-12. Review status: criteria provided, single submitter. Criteria: ICSL Variant Classification Criteria 13 December 2019. Collection method: clinical testing. Allele origin: germline.